The following is an entry in ClinVar:

NM_031475.3(ESPN):c.1760C>T (p.Ala587Val)

Gene: ESPN (espin; plus strand). Cytogenetic location: 1p36.31.
Variant type: single nucleotide variant.
Coding change: c.1760C>T on transcript NM_031475.3 (MANE Select); coding-DNA position 1760, C replaced by T.
Protein change: p.Ala587Val; replaces alanine 587 with valine.
Molecular consequence: missense variant.
Genome position (GRCh38, 1-based): chr1:6,448,936, C>T. VCF-style: chr1-6448936-C-T. GRCh37 (hg19) VCF-style: chr1-6508996-C-T.
Other names: c.1670C>T, p.Ala557Val (NM_001367473.1, NM_001367474.1); short protein forms A587V, A557V.
Identifiers: ClinVar variation 449865 (VCV000449865.11), dbSNP rs1052745208, ClinGen allele CA17211849.
Genomic context (GRCh38, chr1:6,448,936, plus strand): 5'-CCTCCGCTCCCCCGCAGGCGGCGCTGCTTCCTGGGAACCATGTTCCTAACGGCTGCGCCG[C>T]GGACCCCAAGGCGTCCAGGGAGCTGCCACCGCCGCCCCCACCGCCGCCGCCGCCCCTGCC-3'
Protein context (NP_113663.2, residues 577-597): PGNHVPNGCA[Ala587Val]DPKASRELPP

ClinVar aggregate classification (germline): Conflicting classifications of pathogenicity. Review status: criteria provided, conflicting classifications (1 of 4 stars). 6 submissions from 6 submitters: Uncertain significance (3); Likely benign (2). 1 of the submissions does not count toward it. Last evaluated 2025-12-26.

Conditions:
Inborn genetic diseases. Identifiers: MedGen C0950123, MeSH D030342.
ESPN-related disorder. Also called: ESPN-related condition.

Allele frequency attached by ClinVar (database versions not stated): gnomAD exomes 0.00004; 1000 Genomes Project 30x 0.00031; gnomAD 0.00079 and 0.00084; TOPMed 0.00081.
gnomAD v4.1: 175 of 1,397,930 alleles (0.013%); highest among the groups gnomAD compares: African/African-American, 0.24%; 1 homozygote.

Submissions (6):

Women's Health and Genetics/Laboratory Corporation of America, LabCorp
Classification: Uncertain significance. Last evaluated: 2025-12-26. Review status: criteria provided, single submitter. Criteria: LabCorp Variant Classification Summary - May 2015. Collection method: clinical testing. Allele origin: germline.
Comment: Variant summary: ESPN c.1760C>T (p.Ala587Val) results in a non-conservative amino acid change in the encoded protein sequence. Algorithms developed to predict the effect of missense changes on protein structure and function are either unavailable or do not agree on the potential impact of this missense change. The variant allele was found at a frequency of 0.00013 in 1397930 control chromosomes in the gnomAD database, including 1 homozygotes. This frequency is not significantly higher than estimated for disease-causing variants in ESPN, allowing no conclusion about variant significance. To our knowledge, no occurrence of c.1760C>T in individuals affected with ESPN-related conditions and no experimental evidence demonstrating its impact on protein function have been reported. ClinVar contains an entry for this variant (Variation ID: 449865). Based on the evidence outlined above, the variant was classified as uncertain significance.

Blueprint Genetics
Classification: Likely benign. Last evaluated: 2024-07-19. Review status: criteria provided, single submitter. Criteria: ACMG Guidelines, 2015. Collection method: clinical testing. Allele origin: germline.

Labcorp Genetics (formerly Invitae), Labcorp
Classification: Uncertain significance. Last evaluated: 2022-10-18. Review status: criteria provided, single submitter. Criteria: Invitae Variant Classification Sherloc (09022015). Collection method: clinical testing. Allele origin: germline.
Comment: In summary, the available evidence is currently insufficient to determine the role of this variant in disease. Therefore, it has been classified as a Variant of Uncertain Significance. Algorithms developed to predict the effect of missense changes on protein structure and function output the following: SIFT: "Tolerated"; PolyPhen-2: "Benign"; Align-GVGD: "Class C0". The valine amino acid residue is found in multiple mammalian species, which suggests that this missense change does not adversely affect protein function. ClinVar contains an entry for this variant (Variation ID: 449865). This variant has not been reported in the literature in individuals affected with ESPN-related conditions. The frequency data for this variant in the population databases is considered unreliable, as metrics indicate poor data quality at this position in the gnomAD database. This sequence change replaces alanine, which is neutral and non-polar, with valine, which is neutral and non-polar, at codon 587 of the ESPN protein (p.Ala587Val).

Ambry Genetics
Classification: Uncertain significance for Inborn genetic diseases. Last evaluated: 2021-10-22. Review status: criteria provided, single submitter. Criteria: Ambry Variant Classification Scheme 2023. Collection method: clinical testing. Allele origin: germline.

GeneDx
Classification: Likely benign. Last evaluated: 2019-08-07. Review status: criteria provided, single submitter. Criteria: GeneDx Variant Classification (06012015). Collection method: clinical testing. Allele origin: germline. Affected: yes.

PreventionGenetics, part of Exact Sciences
Classification: Likely benign for ESPN-related condition. Last evaluated: 2024-09-03. Review status: no assertion criteria provided. Collection method: clinical testing. Allele origin: germline. Not counted in ClinVar's aggregate classification.
Comment: This variant is classified as likely benign based on ACMG/AMP sequence variant interpretation guidelines (Richards et al. 2015 PMID: 25741868, with internal and published modifications).